The following is an entry in ClinVar:

ClinVar aggregate classification (germline): Uncertain significance (1 of 4 stars; one submission).

Allele frequency attached by ClinVar (database versions not stated): ExAC 0.00002.

Submission:

Labcorp Genetics (formerly Invitae), Labcorp
Classification: Uncertain significance. Last evaluated: 2023-10-13. Review status: criteria provided, single submitter. Criteria: Invitae Variant Classification Sherloc (09022015). Collection method: clinical testing. Allele origin: germline.
Comment: This sequence change replaces aspartic acid, which is acidic and polar, with alanine, which is neutral and non-polar, at codon 671 of the CAPN1 protein (p.Asp671Ala). This variant is present in population databases (rs747474289, gnomAD 0.006%). This variant has not been reported in the literature in individuals affected with CAPN1-related conditions. Advanced modeling of protein sequence and biophysical properties (such as structural, functional, and spatial information, amino acid conservation, physicochemical variation, residue mobility, and thermodynamic stability) performed at Invitae indicates that this missense variant is not expected to disrupt CAPN1 protein function. In summary, the available evidence is currently insufficient to determine the role of this variant in disease. Therefore, it has been classified as a Variant of Uncertain Significance.

NM_005186.4(CAPN1):c.2012A>C (p.Asp671Ala)

Genes: CAPN1 (calpain 1; plus strand), LOC126861236 (P300/CBP strongly-dependent group 1 enhancer GRCh37_chr11:64976880-64978079; plus strand). Cytogenetic location: 11q13.1.
Variant type: single nucleotide variant.
Coding change: c.2012A>C on transcript NM_005186.4 (MANE Select); coding-DNA position 2012, A replaced by C.
Protein change: p.Asp671Ala; replaces aspartic acid 671 with alanine.
Molecular consequence: missense variant. On other transcripts: non-coding transcript variant (1).
Genome position (GRCh38, 1-based): chr11:65,210,405, A>C. VCF-style: chr11-65210405-A-C. GRCh37 (hg19) VCF-style: chr11-64977876-A-C.
Other names: c.2012A>C, p.Asp671Ala (NM_001198868.2, NM_001198869.2); c.1850A>C, p.Asp617Ala (NM_001198870.1); short protein forms D671A, D617A.
Identifiers: ClinVar variation 2801360 (VCV002801360.3), dbSNP rs747474289, ClinGen allele CA6093664.